The following is an entry in ClinVar:

NM_020297.4(ABCC9):c.4512+1094A>C

Genes: ABCC9 (ATP binding cassette subfamily C member 9; minus strand), KCNJ8-AS1 (KCNJ8 antisense RNA 1; plus strand). Cytogenetic location: 12p12.1.
Variant type: single nucleotide variant.
Coding change: c.4512+1094A>C on transcript NM_020297.4 (MANE Select); 1094 bases into the intron after coding-DNA position 4512, A replaced by C.
Molecular consequence: intron variant.
Genome position (GRCh38, 1-based): chr12:21,804,904, T>G on the plus strand (A>C on the coding strand, the complement: ABCC9 is on the minus strand). VCF-style: chr12-21804904-T-G. GRCh37 (hg19) VCF-style: chr12-21957838-T-G.
Other names: c.3645+1094A>C (NM_001377274.1); c.*38+232A>C (NM_005691.4); c.4512+1094A>C (NM_001377273.1).
Identifiers: ClinVar variation 681259 (VCV000681259.1), dbSNP rs17630922, ClinGen allele CA233607260.
Genomic context (GRCh38, chr12:21,804,904, plus strand): 5'-AAGAAATGTGTATGGCATTTTTATGGATGCTTACAAAACATCCCTAAGGACTAGTGAAAT[T>G]GGTCCTTAGAATAAGAGGTAAATTCAGTTAATAGGTTTCATAAATACTCTCTTTTGCATG-3'

ClinVar aggregate classification (germline): Likely benign (1 of 4 stars; one submission).

Allele frequency attached by ClinVar (database versions not stated): 1000 Genomes Project 30x 0.01437; 1000 Genomes Project 0.01458; TOPMed 0.03176; gnomAD 0.03279 and 0.03379.
gnomAD v4.1: 4,999 of 152,318 alleles (3.3%); highest among the groups gnomAD compares: Non-Finnish European, 5%; 120 homozygotes.

Submission:

GeneDx
Classification: Likely benign. Last evaluated: 2018-06-14. Review status: criteria provided, single submitter. Criteria: GeneDx Variant Classification (06012015). Collection method: clinical testing. Allele origin: germline. Affected: yes.
Comment: This variant is considered likely benign or benign based on one or more of the following criteria: it is a conservative change, it occurs at a poorly conserved position in the protein, it is predicted to be benign by multiple in silico algorithms, and/or has population frequency not consistent with disease.